The following is an entry in ClinVar:

ClinVar aggregate classification (germline): Uncertain significance (1 of 4 stars; one submission).

Submission:

Labcorp Genetics (formerly Invitae), Labcorp
Classification: Uncertain significance. Last evaluated: 2024-11-11. Review status: criteria provided, single submitter. Criteria: Invitae Variant Classification Sherloc (09022015). Collection method: clinical testing. Allele origin: germline.
Comment: This sequence change replaces arginine, which is basic and polar, with serine, which is neutral and polar, at codon 584 of the MERTK protein (p.Arg584Ser). This variant is not present in population databases (gnomAD no frequency). This variant has not been reported in the literature in individuals affected with MERTK-related conditions. ClinVar contains an entry for this variant (Variation ID: 1941626). Invitae Evidence Modeling of protein sequence and biophysical properties (such as structural, functional, and spatial information, amino acid conservation, physicochemical variation, residue mobility, and thermodynamic stability) has been performed for this missense variant. However, the output from this modeling did not meet the statistical confidence thresholds required to predict the impact of this variant on MERTK protein function. In summary, the available evidence is currently insufficient to determine the role of this variant in disease. Therefore, it has been classified as a Variant of Uncertain Significance.

NM_006343.3(MERTK):c.1752G>T (p.Arg584Ser)

Gene: MERTK (MER proto-oncogene, tyrosine kinase; plus strand). Cytogenetic location: 2q13.
Variant type: single nucleotide variant.
Coding change: c.1752G>T on transcript NM_006343.3 (MANE Select); coding-DNA position 1752, G replaced by T.
Protein change: p.Arg584Ser; replaces arginine 584 with serine.
Molecular consequence: missense variant.
Genome position (GRCh38, 1-based): chr2:112,003,153, G>T. VCF-style: chr2-112003153-G-T. GRCh37 (hg19) VCF-style: chr2-112760730-G-T.
Other names: short protein forms R584S.
Identifiers: ClinVar variation 1941626 (VCV001941626.5), dbSNP rs754662050, ClinGen allele CA348232659.